The following is an entry in ClinVar:

ClinVar aggregate classification (germline): Uncertain significance (1 of 4 stars; one submission).

Submission:

Labcorp Genetics (formerly Invitae), Labcorp
Classification: Uncertain significance. Last evaluated: 2025-12-08. Review status: criteria provided, single submitter. Criteria: Invitae Variant Classification Sherloc (09022015). Collection method: clinical testing. Allele origin: germline.
Comment: This sequence change replaces leucine, which is neutral and non-polar, with valine, which is neutral and non-polar, at codon 266 of the NFE2L2 protein (p.Leu266Val). This variant is not present in population databases (gnomAD no frequency). This variant has not been reported in the literature in individuals affected with NFE2L2-related conditions. ClinVar contains an entry for this variant (Variation ID: 3704150). Invitae Evidence Modeling of protein sequence and biophysical properties (such as structural, functional, and spatial information, amino acid conservation, physicochemical variation, residue mobility, and thermodynamic stability) indicates that this missense variant is not expected to disrupt NFE2L2 protein function with a negative predictive value of 80%. In summary, the available evidence is currently insufficient to determine the role of this variant in disease. Therefore, it has been classified as a Variant of Uncertain Significance.

NM_006164.5(NFE2L2):c.796T>G (p.Leu266Val)

Gene: NFE2L2 (NFE2 like bZIP transcription factor 2; minus strand). Cytogenetic location: 2q31.2.
Variant type: single nucleotide variant.
Coding change: c.796T>G on transcript NM_006164.5 (MANE Select); coding-DNA position 796, T replaced by G.
Protein change: p.Leu266Val; replaces leucine 266 with valine.
Molecular consequence: missense variant.
Genome position (GRCh38, 1-based): chr2:177,231,807, A>C on the plus strand (T>G on the coding strand, the complement: NFE2L2 is on the minus strand). VCF-style: chr2-177231807-A-C. GRCh37 (hg19) VCF-style: chr2-178096535-A-C.
Other names: c.748T>G, p.Leu250Val (NM_001145412.3, NM_001313900.1, NM_001313901.1); c.727T>G, p.Leu243Val (NM_001145413.3); c.706T>G, p.Leu236Val (NM_001313902.2); c.577T>G, p.Leu193Val (NM_001313903.2); c.496T>G, p.Leu166Val (NM_001313904.1); short protein forms L193V, L243V, L250V, L166V, L236V, L266V.
Identifiers: ClinVar variation 3704150 (VCV003704150.2).
Genomic context (GRCh38, chr2:177,231,807, plus strand): 5'-AAAATTCATCACCAAAATCTGTGTTGACTGTGGCATCTGAATTTAATGAGTTCACTGTCA[A>C]CTGGTTGGGGTCTTCTGTGGAGAGGATGCTGCTGAAGGAATCCTCAAAAGCATTAAGAAA-3'
Protein context (NP_006155.2, residues 256-276): SILSTEDPNQ[Leu266Val]TVNSLNSDAT